The following is an entry in ClinVar:

ClinVar aggregate classification (germline): Benign/Likely benign. Review status: criteria provided, multiple submitters, no conflicts (2 of 4 stars). 3 submissions from 3 submitters: Benign (1); Likely benign (2). Last evaluated 2023-07-21.

Allele frequency attached by ClinVar (database versions not stated): gnomAD 0.00001; TOPMed 0.00002; gnomAD exomes 0.00004 and 0.00005; ExAC 0.00008.
gnomAD v4.1: 72 of 1,209,736 alleles (0.006%); highest among the groups gnomAD compares: African/African-American, 0.019%; no homozygotes.

Submissions (3):

Blueprint Genetics
Classification: Likely benign. Last evaluated: 2023-07-21. Review status: criteria provided, single submitter. Criteria: ACMG Guidelines, 2015. Collection method: clinical testing. Allele origin: germline.

CeGaT Center for Human Genetics Tuebingen
Classification: Likely benign. Last evaluated: 2023-03-01. Review status: criteria provided, single submitter. Criteria: CeGaT Center For Human Genetics Tuebingen Variant Classification Criteria Version 2. Collection method: clinical testing. Allele origin: germline. Affected: yes. Observed: 1 variant allele.
Comment: NLGN4X: BP4, BP7, BS2

Labcorp Genetics (formerly Invitae), Labcorp
Classification: Benign. Last evaluated: 2019-12-31. Review status: criteria provided, single submitter. Criteria: Invitae Variant Classification Sherloc (09022015). Collection method: clinical testing. Allele origin: germline.

NM_181332.3(NLGN4X):c.1356C>T (p.Pro452=)

Gene: NLGN4X (neuroligin 4 X-linked; minus strand). Cytogenetic location: Xp22.32.
Variant type: single nucleotide variant.
Coding change: c.1356C>T on transcript NM_181332.3 (MANE Select); coding-DNA position 1356, C replaced by T.
Protein change: p.Pro452=; no amino-acid change (proline 452 retained).
Molecular consequence: synonymous variant.
Genome position (GRCh38, 1-based): chrX:5,903,322, G>A on the plus strand (C>T on the coding strand, the complement: NLGN4X is on the minus strand). VCF-style: chrX-5903322-G-A. GRCh37 (hg19) VCF-style: chrX-5821363-G-A.
Other names: c.1356C>T, p.Pro452= (NM_001282145.2, NM_001282146.2, NM_020742.4).
Identifiers: ClinVar variation 724804 (VCV000724804.29), dbSNP rs111519296, ClinGen allele CA10341036.
Genomic context (GRCh38, chrX:5,903,322, plus strand): 5'-GAAGGCATAGAAGTAGGTGGGGGAGCCGTACTGCGCGTGCAGGTCGGCGGTGGCCACGGC[G>A]GGGGCCACCCACTGGTGGTCAGTAAAGAGAGCCACCAGGGTTTTCCGCCGCGTCTCCGGG-3'
Protein context (NP_851849.1, residues 442-462): ALFTDHQWVA[Pro452=]AVATADLHAQ